The following is an entry in ClinVar:

ClinVar aggregate classification (germline): Pathogenic (1 of 4 stars; one submission).

Conditions:
Familial thoracic aortic aneurysm and aortic dissection (TAAD). Also called: Thoracic aortic aneurysms and dissections. Identifiers: Orphanet 91387, MedGen C4707243, MONDO:0019625.

Submission:

Ambry Genetics
Classification: Pathogenic for Familial thoracic aortic aneurysm and aortic dissection. Last evaluated: 2016-02-07. Review status: criteria provided, single submitter. Criteria: Ambry Variant Classification Scheme 2023. Collection method: clinical testing. Allele origin: germline.
Comment: The c.1852dupG pathogenic mutation, located in coding exon 15 of the FBN1 gene, results from a duplication of G at nucleotide position 1852, causing a translational frameshift with a predicted alternate stop codon (p.E618Gfs*15). Since frameshifts are typically deleterious in nature, this alteration is interpreted as a disease-causing mutation (ACMG Recommendations for Standards for Interpretation and Reporting of Sequence Variations. Revision 2007. Genet Med. 2008;10:294).

NM_000138.5(FBN1):c.1852dup (p.Glu618fs)

Gene: FBN1 (fibrillin 1; minus strand). Cytogenetic location: 15q21.1.
Variant type: Duplication.
Coding change: c.1852dup on transcript NM_000138.5 (MANE Select); coding-DNA position 1852, one base duplicated (G; older notation c.1852dupG).
Protein change: p.Glu618fs; shifts the reading frame from glutamic acid 618.
Molecular consequence: frameshift variant.
Genome position (GRCh38, 1-based): chr15:48,505,133, C duplicated on the plus strand (G on the coding strand, the reverse complement: FBN1 is on the minus strand). VCF-style (leftmost placement, unchanged base first): chr15-48505132-T-TC. GRCh37 (hg19) VCF-style: chr15-48797329-T-TC.
Other names: c.1852dupG (NM_000138.4); short protein forms E618fs.
Identifiers: ClinVar variation 519567 (VCV000519567.5), dbSNP rs1555399835, ClinGen allele CA658798350.